The following is an entry in ClinVar:

NM_001369369.1(FOXN1):c.1900C>T (p.Pro634Ser)

Gene: FOXN1 (forkhead box N1; plus strand). Cytogenetic location: 17q11.2.
Variant type: single nucleotide variant.
Coding change: c.1900C>T on transcript NM_001369369.1 (MANE Select); coding-DNA position 1900, C replaced by T.
Protein change: p.Pro634Ser; replaces proline 634 with serine.
Molecular consequence: missense variant.
Genome position (GRCh38, 1-based): chr17:28,537,389, C>T. VCF-style: chr17-28537389-C-T. GRCh37 (hg19) VCF-style: chr17-26864407-C-T.
Other names: c.1900C>T (NM_003593.2); c.1900C>T, p.Pro634Ser (NM_003593.3); short protein forms P634S.
Identifiers: ClinVar variation 1413729 (VCV001413729.9), dbSNP rs1221726877, ClinGen allele CA398328720.

ClinVar aggregate classification (germline): Uncertain significance. Review status: criteria provided, multiple submitters, no conflicts (2 of 4 stars). 3 submissions from 3 submitters: Uncertain significance (3). Last evaluated 2026-08-06.

Conditions:
T-cell lymphopenia, infantile, with or without nail dystrophy, autosomal dominant. Identifiers: Orphanet 676039, MedGen C5394133, MONDO:0032928, OMIM 618806.
Inborn genetic diseases. Identifiers: MedGen C0950123, MeSH D030342.
T-cell immunodeficiency, congenital alopecia, and nail dystrophy. Also called: Congenital alopecia and nail dystrophy associated with severe functional T-cell immunodeficiency; Pignata Guarino syndrome. Identifiers: Orphanet 169095, MedGen C1866426, MONDO:0011132, OMIM 601705.

Allele frequency attached by ClinVar (database versions not stated): gnomAD exomes 0.00004; gnomAD 0.00005 and 0.00006; TOPMed 0.00009.
gnomAD v4.1: 26 of 1,613,068 alleles (0.0016%); highest among the groups gnomAD compares: Admixed American, 0.03%; no homozygotes.

Submissions (3):

OLLIN Analises Genomicas, OLLIN
Classification: Uncertain significance for T-cell lymphopenia, infantile, with or without nail dystrophy, autosomal dominant. Last evaluated: 2026-08-06. Review status: criteria provided, single submitter. Criteria: ACMG Guidelines 2015 PMID 25741868. Collection method: clinical testing. Allele origin: germline.
Comment: This missense variant, located in exon 9 (of 9), has been reported in ClinVar (accession VCV001413729.8) and in gnomAD with an allele frequency of 0.0016%. However, to our knowledge, it has not been reported in the scientific literature. In silico analysis predicts that this variant has a tolerated effect. According to the currently available evidence, this variant has been classified as uncertain significance (PM2_P, BP4_M).

Ambry Genetics
Classification: Uncertain significance for Inborn genetic diseases. Last evaluated: 2024-11-16. Review status: criteria provided, single submitter. Criteria: Ambry Variant Classification Scheme 2023. Collection method: clinical testing. Allele origin: germline.

Labcorp Genetics (formerly Invitae), Labcorp
Classification: Uncertain significance for T-cell immunodeficiency, congenital alopecia, and nail dystrophy. Last evaluated: 2024-09-18. Review status: criteria provided, single submitter. Criteria: Invitae Variant Classification Sherloc (09022015). Collection method: clinical testing. Allele origin: germline.
Comment: This sequence change replaces proline, which is neutral and non-polar, with serine, which is neutral and polar, at codon 634 of the FOXN1 protein (p.Pro634Ser). This variant is present in population databases (no rsID available, gnomAD 0.03%). This variant has not been reported in the literature in individuals affected with FOXN1-related conditions. ClinVar contains an entry for this variant (Variation ID: 1413729). An algorithm developed to predict the effect of missense changes on protein structure and function outputs the following: PolyPhen-2: "Benign". The serine amino acid residue is found in multiple mammalian species, which suggests that this missense change does not adversely affect protein function. In summary, the available evidence is currently insufficient to determine the role of this variant in disease. Therefore, it has been classified as a Variant of Uncertain Significance.